The following is an entry in ClinVar:

NM_153704.6(TMEM67):c.2557-2A>G

Gene: TMEM67 (transmembrane protein 67; plus strand). Cytogenetic location: 8q22.1.
Variant type: single nucleotide variant.
Coding change: c.2557-2A>G on transcript NM_153704.6 (MANE Select); the canonical splice acceptor site of the intron before coding-DNA position 2557, A replaced by G.
Molecular consequence: splice acceptor variant.
Genome position (GRCh38, 1-based): chr8:93,809,055, A>G. VCF-style: chr8-93809055-A-G. GRCh37 (hg19) VCF-style: chr8-94821283-A-G.
Other names: c.2314-2A>G (NM_001142301.1).
Identifiers: ClinVar variation 4999504 (VCV004999504.1).

ClinVar aggregate classification (germline): Likely pathogenic (1 of 4 stars; one submission).

Conditions:
TMEM67-related disorder. Also called: TMEM67-related condition; TMEM67-related disorders. Identifiers: MedGen CN239423.

gnomAD v4.1: 1 of 1,598,166 alleles (0.000063%); highest among the groups gnomAD compares: Non-Finnish European, 0.000086%; no homozygotes.

Submission:

PreventionGenetics, part of Exact Sciences
Classification: Likely pathogenic for TMEM67-related condition. Last evaluated: 2025-04-28. Review status: criteria provided, single submitter. Criteria: ACMG Guidelines, 2015. Collection method: clinical testing. Allele origin: germline.
Comment: The TMEM67 c.2557-2A>G variant is predicted to disrupt the AG splice acceptor site and interfere with normal splicing. To our knowledge, this variant has not been reported in the literature. This variant is reported in 0.00088% of alleles in individuals of European (Non-Finnish) descent in gnomAD. This variant effects a nucleotide in the splice acceptor and is expected to disrupt splicing and lead to a loss of protein function (Baralle. 2005. PubMed ID: 16199547). Loss-of-function variants in TMEM67 have been shown to be pathogenic (Iannicelli et al. 2010. PubMed ID: 20232449). This variant is interpreted as likely pathogenic.